The following is an entry in ClinVar:

NM_001127.4(AP1B1):c.592G>A (p.Asp198Asn)

Gene: AP1B1 (adaptor related protein complex 1 subunit beta 1; minus strand). Cytogenetic location: 22q12.2.
Variant type: single nucleotide variant.
Coding change: c.592G>A on transcript NM_001127.4 (MANE Select); coding-DNA position 592, G replaced by A.
Protein change: p.Asp198Asn; replaces aspartic acid 198 with asparagine.
Molecular consequence: missense variant.
Genome position (GRCh38, 1-based): chr22:29,356,550, C>T on the plus strand (G>A on the coding strand, the complement: AP1B1 is on the minus strand). VCF-style: chr22-29356550-C-T. GRCh37 (hg19) VCF-style: chr22-29752539-C-T.
Other names: c.592G>A, p.Asp198Asn (NM_001166019.2, NM_001378562.1, NM_001378563.1 and 2 more transcripts); c.421G>A, p.Asp141Asn (NM_001378564.1, NM_001378565.1); short protein forms D141N, D198N.
Identifiers: ClinVar variation 3403150 (VCV003403150.2).

ClinVar aggregate classification (germline): Uncertain significance. Review status: criteria provided, multiple submitters, no conflicts (2 of 4 stars). 2 submissions from 2 submitters: Uncertain significance (2). Last evaluated 2025-03-05.

Conditions:
AP1B1-related disorder. Also called: AP1B1-related condition.
Inborn genetic diseases. Identifiers: MedGen C0950123, MeSH D030342.

gnomAD v4.1: 9 of 1,614,034 alleles (0.00056%); highest among the groups gnomAD compares: African/African-American, 0.0053%; no homozygotes.

Submissions (2):

PreventionGenetics, part of Exact Sciences
Classification: Uncertain significance for AP1B1-related condition. Last evaluated: 2025-03-05. Review status: criteria provided, single submitter. Criteria: ACMG Guidelines, 2015. Collection method: clinical testing. Allele origin: germline.
Comment: The AP1B1 c.592G>A variant is predicted to result in the amino acid substitution p.Asp198Asn. To our knowledge, this variant has not been reported in the literature. This variant is reported in 0.0062% of alleles in individuals of African descent in gnomAD. At this time, the clinical significance of this variant is uncertain due to the absence of conclusive functional and genetic evidence.

Ambry Genetics
Classification: Uncertain significance for Inborn genetic diseases. Last evaluated: 2024-11-29. Review status: criteria provided, single submitter. Criteria: Ambry Variant Classification Scheme 2023. Collection method: clinical testing. Allele origin: germline.